The following is an entry in ClinVar:

NM_145698.5(ACBD5):c.937-1del

Gene: ACBD5 (acyl-CoA binding domain containing 5; minus strand). Cytogenetic location: 10p12.1.
Variant type: Deletion.
Coding change: c.937-1del on transcript NM_145698.5 (MANE Select); the canonical splice acceptor site of the intron before coding-DNA position 937, one base deleted (G; older notation c.937-1delG).
Molecular consequence: splice acceptor variant.
Genome position (GRCh38, 1-based): chr10:27,211,082, C deleted on the plus strand (G on the coding strand, the reverse complement: ACBD5 is on the minus strand). VCF-style (leftmost placement, unchanged base first): chr10-27211081-AC-A. GRCh37 (hg19) VCF-style: chr10-27500010-AC-A.
Other names: c.937-1del (NM_001352570.1); c.610-1del (NM_001301253.2, NM_001301251.2, NM_001352583.1 and 2 more transcripts); c.778-1del (NM_001352580.2); c.832-1del (NM_001352577.2, NM_001042473.4, NM_001352578.2 and 1 more transcripts); c.865-1del (NM_001352575.2, NM_001352574.2, NM_001352576.2); c.628-1del (NM_001352582.2); c.643-1del (NM_001352585.1); c.958-1del (NM_001352572.1); and 10 more.
Identifiers: ClinVar variation 1475806 (VCV001475806.8), dbSNP rs2137068260, ClinGen allele CA2573145045.

ClinVar aggregate classification (germline): Likely pathogenic (1 of 4 stars; one submission).

Submission:

Labcorp Genetics (formerly Invitae), Labcorp
Classification: Likely pathogenic. Last evaluated: 2021-03-29. Review status: criteria provided, single submitter. Criteria: Invitae Variant Classification Sherloc (09022015). Collection method: clinical testing. Allele origin: germline.
Comment: In summary, the currently available evidence indicates that the variant is pathogenic, but additional data are needed to prove that conclusively. Therefore, this variant has been classified as Likely Pathogenic. Algorithms developed to predict the effect of sequence changes on RNA splicing suggest that this variant may disrupt the consensus splice site, but this prediction has not been confirmed by published transcriptional studies. This variant has not been reported in the literature in individuals with ACBD5-related conditions. This variant is not present in population databases (ExAC no frequency). This sequence change affects an acceptor splice site in intron 8 of the ACBD5 gene. It is expected to disrupt RNA splicing. Variants that disrupt the donor or acceptor splice site typically lead to a loss of protein function (PMID: 16199547), and loss-of-function variants in ACBD5 are known to be pathogenic (PMID: 23105016, 27799409).

Literature cited by the submitters: PubMed 16199547; PubMed 23105016; PubMed 27799409.